The following is an entry in ClinVar:

ClinVar aggregate classification (germline): Uncertain significance. Review status: criteria provided, multiple submitters, no conflicts (2 of 4 stars). 2 submissions from 2 submitters: Uncertain significance (2). Last evaluated 2025-04-28.

Allele frequency attached by ClinVar (database versions not stated): ExAC 0.00002.
gnomAD v4.1: 12 of 1,614,100 alleles (0.00074%); highest among the groups gnomAD compares: Admixed American, 0.018%; no homozygotes.

Submissions (2):

Labcorp Genetics (formerly Invitae), Labcorp
Classification: Uncertain significance. Last evaluated: 2025-04-28. Review status: criteria provided, single submitter. Criteria: Invitae Variant Classification Sherloc (09022015). Collection method: clinical testing. Allele origin: germline.
Comment: This sequence change replaces alanine, which is neutral and non-polar, with valine, which is neutral and non-polar, at codon 2194 of the FBN3 protein (p.Ala2194Val). This variant is present in population databases (rs761703495, gnomAD 0.03%). This variant has not been reported in the literature in individuals affected with FBN3-related conditions. ClinVar contains an entry for this variant (Variation ID: 2180660). Invitae Evidence Modeling of protein sequence and biophysical properties (such as structural, functional, and spatial information, amino acid conservation, physicochemical variation, residue mobility, and thermodynamic stability) indicates that this missense variant is not expected to disrupt FBN3 protein function with a negative predictive value of 80%. In summary, the available evidence is currently insufficient to determine the role of this variant in disease. Therefore, it has been classified as a Variant of Uncertain Significance.

Ambry Genetics
Classification: Uncertain significance. Last evaluated: 2025-02-07. Review status: criteria provided, single submitter. Criteria: Ambry Variant Classification Scheme 2023. Collection method: clinical testing. Allele origin: germline.

NM_032447.5(FBN3):c.6581C>T (p.Ala2194Val)

Gene: FBN3 (fibrillin 3; minus strand). Cytogenetic location: 19p13.2.
Variant type: single nucleotide variant.
Coding change: c.6581C>T on transcript NM_032447.5 (MANE Select); coding-DNA position 6581, C replaced by T.
Protein change: p.Ala2194Val; replaces alanine 2194 with valine.
Molecular consequence: missense variant.
Genome position (GRCh38, 1-based): chr19:8,087,863, G>A on the plus strand (C>T on the coding strand, the complement: FBN3 is on the minus strand). VCF-style: chr19-8087863-G-A. GRCh37 (hg19) VCF-style: chr19-8152747-G-A.
Other names: c.6581C>T, p.Ala2194Val (NM_001321431.2); c.6581C>T (NM_032447.3); short protein forms A2194V.
Identifiers: ClinVar variation 2180660 (VCV002180660.5), dbSNP rs761703495, ClinGen allele CA9151226.